The following is an entry in ClinVar:

NM_000210.4(ITGA6):c.2211_2212del (p.Cys737_Glu738delinsTer)

Genes: ITGA6 (integrin subunit alpha 6; plus strand), PDK1-AS1 (PDK1 and ITGA6 antisense RNA 1; minus strand). Cytogenetic location: 2q31.1.
Variant type: Microsatellite.
Coding change: c.2211_2212del on transcript NM_000210.4 (MANE Select); coding-DNA positions 2211 to 2212, 2 bases deleted (TG; older notation c.2211_2212delTG).
Protein change: p.Cys737_Glu738delinsTer.
Molecular consequence: nonsense.
Genome position (GRCh38, 1-based): chr2:172,487,597-172,487,598, TG deleted; deleting any 2 consecutive bases within chr2:172,487,595-172,487,598 gives the same sequence; the c. name uses the placement nearest the transcript's 3' end. VCF-style (leftmost placement, unchanged base first): chr2-172487594-CTG-C. GRCh37 (hg19) VCF-style: chr2-173352322-CTG-C.
Other names: c.2211_2212del, p.Cys737_Glu738delinsTer (NM_001079818.3, NM_001365529.2, NM_001365530.2); c.1854_1855del, p.Cys618_Glu619delinsTer (NM_001316306.2); c.2328_2329del, p.Cys776_Glu777delinsTer (NM_001394928.1).
Identifiers: ClinVar variation 2707606 (VCV002707606.3), dbSNP rs2468378608, ClinGen allele CA2697551370.

ClinVar aggregate classification (germline): Pathogenic (1 of 4 stars; one submission).

Submission:

Labcorp Genetics (formerly Invitae), Labcorp
Classification: Pathogenic. Last evaluated: 2024-01-04. Review status: criteria provided, single submitter. Criteria: Invitae Variant Classification Sherloc (09022015). Collection method: clinical testing. Allele origin: germline.
Comment: This sequence change creates a premature translational stop signal (p.Cys737*) in the ITGA6 gene. It is expected to result in an absent or disrupted protein product. Loss-of-function variants in ITGA6 are known to be pathogenic (PMID: 9158140, 9185503, 9804362, 27607025). This variant is not present in population databases (gnomAD no frequency). This variant has not been reported in the literature in individuals affected with ITGA6-related conditions. For these reasons, this variant has been classified as Pathogenic.

Literature cited by the submitters: PubMed 9158140; PubMed 9185503; PubMed 9804362; PubMed 27607025.